The following is an entry in ClinVar:

NM_004628.5(XPC):c.309A>G (p.Pro103=)

Gene: XPC (XPC complex subunit, DNA damage recognition and repair factor; minus strand). Cytogenetic location: 3p25.1.
Variant type: single nucleotide variant.
Coding change: c.309A>G on transcript NM_004628.5 (MANE Select); coding-DNA position 309, A replaced by G.
Protein change: p.Pro103=; no amino-acid change (proline 103 retained).
Molecular consequence: synonymous variant. On other transcripts: 5 prime UTR variant (1), non-coding transcript variant (2).
Genome position (GRCh38, 1-based): chr3:14,170,541, T>C on the plus strand (A>G on the coding strand, the complement: XPC is on the minus strand). VCF-style: chr3-14170541-T-C. GRCh37 (hg19) VCF-style: chr3-14212041-T-C.
Other names: c.-147A>G (NM_001354726.2); c.309A>G, p.Pro103= (NM_001354727.2, NM_001354730.2); c.291A>G, p.Pro97= (NM_001354729.2).
Identifiers: ClinVar variation 754956 (VCV000754956.31), dbSNP rs371793771, ClinGen allele CA2267744.

ClinVar aggregate classification (germline): Likely benign. Review status: criteria provided, multiple submitters, no conflicts (2 of 4 stars). 3 submissions from 3 submitters: Likely benign (3). Last evaluated 2026-01-17.

Allele frequency attached by ClinVar (database versions not stated): gnomAD exomes 0.00002 and 0.00006; gnomAD 0.00004; TOPMed 0.00004; ExAC 0.00006; ESP Exome Variant Server 0.00008.
gnomAD v4.1: 42 of 1,611,982 alleles (0.0026%); highest among the groups gnomAD compares: Admixed American, 0.023%; no homozygotes.

Submissions (3):

Labcorp Genetics (formerly Invitae), Labcorp
Classification: Likely benign. Last evaluated: 2026-01-17. Review status: criteria provided, single submitter. Criteria: Invitae Variant Classification Sherloc (09022015). Collection method: clinical testing. Allele origin: germline.

CeGaT Center for Human Genetics Tuebingen
Classification: Likely benign. Last evaluated: 2024-03-01. Review status: criteria provided, single submitter. Criteria: CeGaT Center For Human Genetics Tuebingen Variant Classification Criteria Version 2. Collection method: clinical testing. Allele origin: germline. Affected: yes. Observed: 1 variant allele.
Comment: XPC: BP4, BP7

Breakthrough Genomics
Classification: Likely benign. Review status: criteria provided, single submitter. Criteria: ACMG Guidelines, 2015. Collection method: not provided. Allele origin: germline. Inheritance: Autosomal recessive inheritance. Affected: yes.